The following is an entry in ClinVar:

NM_017617.5(NOTCH1):c.2588G>A (p.Gly863Glu)

Gene: NOTCH1 (notch receptor 1; minus strand). Cytogenetic location: 9q34.3.
Variant type: single nucleotide variant.
Coding change: c.2588G>A on transcript NM_017617.5 (MANE Select); coding-DNA position 2588, G replaced by A.
Protein change: p.Gly863Glu; replaces glycine 863 with glutamic acid.
Molecular consequence: missense variant.
Genome position (GRCh38, 1-based): chr9:136,510,805, C>T on the plus strand (G>A on the coding strand, the complement: NOTCH1 is on the minus strand). VCF-style: chr9-136510805-C-T. GRCh37 (hg19) VCF-style: chr9-139405257-C-T.
Other names: short protein forms G863E.
Identifiers: ClinVar variation 4727747 (VCV004727747.1).

ClinVar aggregate classification (germline): Uncertain significance (1 of 4 stars; one submission).

Conditions:
Adams-Oliver syndrome 5 (AOS5). Identifiers: Orphanet 974, MedGen C4014970, MONDO:0014459, OMIM 616028.

Submission:

Labcorp Genetics (formerly Invitae), Labcorp
Classification: Uncertain significance for Adams-Oliver syndrome 5. Last evaluated: 2025-09-23. Review status: criteria provided, single submitter. Criteria: Invitae Variant Classification Sherloc (09022015). Collection method: clinical testing. Allele origin: germline.
Comment: This sequence change replaces glycine, which is neutral and non-polar, with glutamic acid, which is acidic and polar, at codon 863 of the NOTCH1 protein (p.Gly863Glu). This variant is not present in population databases (gnomAD no frequency). This variant has not been reported in the literature in individuals affected with NOTCH1-related conditions. An algorithm developed to predict the effect of missense changes on protein structure and function (PolyPhen-2) suggests that this variant is likely to be disruptive. In summary, the available evidence is currently insufficient to determine the role of this variant in disease. Therefore, it has been classified as a Variant of Uncertain Significance.